The following is an entry in ClinVar:

NM_001065.4(TNFRSF1A):c.1072A>G (p.Thr358Ala)

Gene: TNFRSF1A (TNF receptor superfamily member 1A; minus strand). Cytogenetic location: 12p13.31.
Variant type: single nucleotide variant.
Coding change: c.1072A>G on transcript NM_001065.4 (MANE Select); coding-DNA position 1072, A replaced by G.
Protein change: p.Thr358Ala; replaces threonine 358 with alanine.
Molecular consequence: missense variant. On other transcripts: non-coding transcript variant (1).
Genome position (GRCh38, 1-based): chr12:6,329,608, T>C on the plus strand (A>G on the coding strand, the complement: TNFRSF1A is on the minus strand). VCF-style: chr12-6329608-T-C. GRCh37 (hg19) VCF-style: chr12-6438774-T-C.
Other names: c.748A>G, p.Thr250Ala (NM_001346091.2); c.613A>G, p.Thr205Ala (NM_001346092.2); short protein forms T205A, T250A, T358A.
Identifiers: ClinVar variation 943670 (VCV000943670.9), dbSNP rs200827709, ClinGen allele CA6405268.
Genomic context (GRCh38, chr12:6,329,608, plus strand): 5'-GGCGCCGCACGAATTCCTTCCAGCGCAACGGGGGCACGTTCTCCACCACGGCGTACAGCG[T>C]CGCGGGGTCATCAGCTGCGGGGACGCGGGCCGGTGAGCCTCGGGCGGCAACCCCAGGCCC-3'
Protein context (NP_001056.1, residues 348-368): PQSLDTDDPA[Thr358Ala]LYAVVENVPP

ClinVar aggregate classification (germline): Uncertain significance (1 of 4 stars; one submission).

Conditions:
TNF receptor-associated periodic fever syndrome (TRAPS) (FPF). Also called: TNF RECEPTOR-ASSOCIATED PERIODIC SYNDROME; TUMOR NECROSIS FACTOR RECEPTOR-ASSOCIATED PERIODIC SYNDROME; TNF Receptor-Associated Periodic Fever Syndrome; FAMILIAL HIBERNIAN FEVER; TNF receptor 1-associated periodic fever syndrome; Autosomal Dominant Familial Periodic Fever. Identifiers: Orphanet 32960, MedGen C1275126, MONDO:0007727, OMIM 142680.

Allele frequency attached by ClinVar (database versions not stated): gnomAD exomes below 0.00001; TOPMed below 0.00001; ExAC 0.00001.
gnomAD v4.1: 2 of 1,593,788 alleles (0.00013%); highest among the groups gnomAD compares: Non-Finnish European, 0.00017%; no homozygotes.

Submission:

Labcorp Genetics (formerly Invitae), Labcorp
Classification: Uncertain significance for TNF receptor-associated periodic fever syndrome (TRAPS). Last evaluated: 2023-07-17. Review status: criteria provided, single submitter. Criteria: Invitae Variant Classification Sherloc (09022015). Collection method: clinical testing. Allele origin: germline.
Comment: In summary, the available evidence is currently insufficient to determine the role of this variant in disease. Therefore, it has been classified as a Variant of Uncertain Significance. Advanced modeling of protein sequence and biophysical properties (such as structural, functional, and spatial information, amino acid conservation, physicochemical variation, residue mobility, and thermodynamic stability) has been performed at Invitae for this missense variant, however the output from this modeling did not meet the statistical confidence thresholds required to predict the impact of this variant on TNFRSF1A protein function. ClinVar contains an entry for this variant (Variation ID: 943670). This variant has not been reported in the literature in individuals affected with TNFRSF1A-related conditions. The frequency data for this variant in the population databases is considered unreliable, as metrics indicate poor data quality at this position in the gnomAD database. This sequence change replaces threonine, which is neutral and polar, with alanine, which is neutral and non-polar, at codon 358 of the TNFRSF1A protein (p.Thr358Ala).